The following is an entry in ClinVar:

NM_000368.5(TSC1):c.397G>T (p.Val133Phe)

Gene: TSC1 (TSC complex subunit 1; minus strand). Cytogenetic location: 9q34.13.
Variant type: single nucleotide variant.
Coding change: c.397G>T on transcript NM_000368.5 (MANE Select); coding-DNA position 397, G replaced by T.
Protein change: p.Val133Phe; replaces valine 133 with phenylalanine.
Molecular consequence: missense variant.
Genome position (GRCh38, 1-based): chr9:132,923,459, C>A on the plus strand (G>T on the coding strand, the complement: TSC1 is on the minus strand). VCF-style: chr9-132923459-C-A. GRCh37 (hg19) VCF-style: chr9-135798846-C-A.
Other names: c.397G>T, p.Val133Phe (NM_001162426.2); c.244G>T, p.Val82Phe (NM_001162427.2); c.34G>T, p.Val12Phe (NM_001362177.2); short protein forms V133F, V82F, V12F.
Identifiers: ClinVar variation 49040 (VCV000049040.10), dbSNP rs118203381, ClinGen allele CA007570.

ClinVar aggregate classification (germline): Conflicting classifications of pathogenicity. Review status: criteria provided, conflicting classifications (1 of 4 stars). 3 submissions from 3 submitters: Likely pathogenic (1); Uncertain significance (1). 1 of the submissions does not count toward it. Last evaluated 2025-10-01.

Conditions:
Hereditary cancer-predisposing syndrome. Also called: Neoplastic Syndromes, Hereditary; Tumor predisposition; Hereditary Cancer Syndrome; Hereditary neoplastic syndrome. Identifiers: Orphanet 140162, MedGen C0027672, MeSH D009386, MONDO:0015356.
Tuberous sclerosis syndrome (TSC). Also called: Tuberous Sclerosis Complex; Tuberous sclerosis. Identifiers: Orphanet 805, MedGen C0041341, MONDO:0001734.
Tuberous sclerosis 1 (TSC1). Identifiers: Orphanet 805, MedGen C1854465, MONDO:0008612, OMIM 191100.

Submissions (3):

Ambry Genetics
Classification: Likely pathogenic for Hereditary cancer-predisposing syndrome. Last evaluated: 2025-10-01. Review status: criteria provided, single submitter. Criteria: Ambry Variant Classification Scheme 2023. Collection method: clinical testing. Allele origin: germline.
Comment: The p.V133F variant (also known as c.397G>T), located in coding exon 4 of the TSC1 gene, results from a G to T substitution at nucleotide position 397. The valine at codon 133 is replaced by phenylalanine, an amino acid with highly similar properties. This variant was reported in individuals with features consistent with tuberous sclerosis complex; in at least one individual, it was determined to be de novo (Ambry internal data; Meng Y et al. J Hum Genet, 2021 Mar;66:227-236). This variant was observed to have a deleterious impact on protein function (Hoogeveen-Westerveld M et al. Hum Mutat, 2011 Apr;32:424-35). This amino acid position is highly conserved in available vertebrate species. In addition, this alteration is predicted to be deleterious by in silico analysis. This variant is considered to be rare based on population cohorts in the Genome Aggregation Database (gnomAD). Based on the majority of available evidence to date, this variant is likely to be pathogenic.

Labcorp Genetics (formerly Invitae), Labcorp
Classification: Uncertain significance for Tuberous sclerosis 1. Last evaluated: 2020-10-06. Review status: criteria provided, single submitter. Criteria: Invitae Variant Classification Sherloc (09022015). Collection method: clinical testing. Allele origin: germline.
Comment: In summary, the available evidence is currently insufficient to determine the role of this variant in disease. Therefore, it has been classified as a Variant of Uncertain Significance. This variant has been reported to affect TSC1 protein function (PMID: 19747374, 21309039). This variant has been observed in individuals affected with tuberous sclerosis complex (PMID: 19747374, Invitae). ClinVar contains an entry for this variant (Variation ID: 49040). This variant is not present in population databases (ExAC no frequency). This sequence change replaces valine with phenylalanine at codon 133 of the TSC1 protein (p.Val133Phe). The valine residue is moderately conserved and there is a small physicochemical difference between valine and phenylalanine.

Tuberous sclerosis database (TSC1)
No classification provided. Condition: TSC. Review status: no classification provided. Criteria: Tuberous Sclerosis Database Assertion Criteria 2015. Collection method: curation. Allele origin: germline. Affected: yes. Not counted in ClinVar's aggregate classification.

Literature cited by the submitters: PubMed 21309039 (cited by Ambry Genetics and Labcorp Genetics (formerly Invitae), Labcorp); PubMed 32917966 (cited by Ambry Genetics); PubMed 19747374 (cited by Labcorp Genetics (formerly Invitae), Labcorp).